The following is an entry in ClinVar:

ClinVar aggregate classification (germline): Conflicting classifications of pathogenicity. Review status: criteria provided, conflicting classifications (1 of 4 stars). 2 submissions from 2 submitters: Uncertain significance (1); Likely benign (1). Last evaluated 2025-02-16.

Conditions:
Juvenile onset Parkinson disease 19A. Also called: DNAJC6 Parkinson Disease; PARK19. Identifiers: Orphanet 391411, MedGen C3809811, MONDO:0014231, OMIM 615528.

Allele frequency attached by ClinVar (database versions not stated): gnomAD exomes 0.00003; TOPMed 0.00003; ExAC 0.00007; gnomAD 0.00007; ESP Exome Variant Server 0.00008.
gnomAD v4.1: 54 of 1,611,448 alleles (0.0034%); highest among the groups gnomAD compares: Middle Eastern, 0.017%; no homozygotes.

Submissions (2):

Laboratory of Genetics, Children's Clinical University Hospital Latvia
Classification: Likely benign. Last evaluated: 2025-02-16. Review status: criteria provided, single submitter. Criteria: ACMG Guidelines, 2015. Collection method: clinical testing. Allele origin: germline. Affected: yes.

Labcorp Genetics (formerly Invitae), Labcorp
Classification: Uncertain significance for Juvenile onset Parkinson disease 19A. Last evaluated: 2021-12-23. Review status: criteria provided, single submitter. Criteria: Invitae Variant Classification Sherloc (09022015). Collection method: clinical testing. Allele origin: germline.
Comment: In summary, the available evidence is currently insufficient to determine the role of this variant in disease. Therefore, it has been classified as a Variant of Uncertain Significance. Variants that disrupt the consensus splice site are a relatively common cause of aberrant splicing (PMID: 17576681, 9536098). Algorithms developed to predict the effect of sequence changes on RNA splicing suggest that this variant is not likely to affect RNA splicing. This variant has not been reported in the literature in individuals affected with DNAJC6-related conditions. This variant is present in population databases (rs376352654, gnomAD 0.01%). This sequence change falls in intron 2 of the DNAJC6 gene. It does not directly change the encoded amino acid sequence of the DNAJC6 protein. It affects a nucleotide within the consensus splice site.

Literature cited by the submitters: PubMed 17576681 (cited by Labcorp Genetics (formerly Invitae), Labcorp); PubMed 9536098 (cited by Labcorp Genetics (formerly Invitae), Labcorp).

NM_001256864.2(DNAJC6):c.344+6C>T

Gene: DNAJC6 (DnaJ heat shock protein family (Hsp40) member C6; plus strand). Cytogenetic location: 1p31.3.
Variant type: single nucleotide variant.
Coding change: c.344+6C>T on transcript NM_001256864.2 (MANE Select); 6 bases into the intron after coding-DNA position 344, C replaced by T.
Molecular consequence: intron variant.
Genome position (GRCh38, 1-based): chr1:65,364,791, C>T. VCF-style: chr1-65364791-C-T. GRCh37 (hg19) VCF-style: chr1-65830474-C-T.
Other names: c.134+6C>T (NM_001256865.2); c.173+6C>T (NM_014787.4).
Identifiers: ClinVar variation 1974816 (VCV001974816.4), dbSNP rs376352654, ClinGen allele CA893607.